The following is an entry in ClinVar:

ClinVar aggregate classification (germline): Uncertain significance (1 of 4 stars; one submission).

Allele frequency attached by ClinVar (database versions not stated): gnomAD 0.00001; TOPMed 0.00003; ExAC 0.00006.
gnomAD v4.1: 23 of 1,614,080 alleles (0.0014%); highest among the groups gnomAD compares: Admixed American, 0.038%; no homozygotes.

Submission:

Labcorp Genetics (formerly Invitae), Labcorp
Classification: Uncertain significance. Last evaluated: 2025-09-03. Review status: criteria provided, single submitter. Criteria: Invitae Variant Classification Sherloc (09022015). Collection method: clinical testing. Allele origin: germline.
Comment: This sequence change replaces threonine, which is neutral and polar, with isoleucine, which is neutral and non-polar, at codon 758 of the KIF23 protein (p.Thr758Ile). This variant is present in population databases (rs775907716, gnomAD 0.06%), and has an allele count higher than expected for a pathogenic variant. This variant has not been reported in the literature in individuals affected with KIF23-related conditions. ClinVar contains an entry for this variant (Variation ID: 2715210). An algorithm developed to predict the effect of missense changes on protein structure and function (PolyPhen-2) suggests that this variant is likely to be tolerated. In summary, the available evidence is currently insufficient to determine the role of this variant in disease. Therefore, it has been classified as a Variant of Uncertain Significance.

NM_001367805.3(KIF23):c.2315C>T (p.Thr772Ile)

Gene: KIF23 (kinesin family member 23; plus strand). Cytogenetic location: 15q23.
Variant type: single nucleotide variant.
Coding change: c.2315C>T on transcript NM_001367805.3 (MANE Select); coding-DNA position 2315, C replaced by T.
Protein change: p.Thr772Ile; replaces threonine 772 with isoleucine.
Molecular consequence: missense variant. On other transcripts: non-coding transcript variant (1), intron variant (1).
Genome position (GRCh38, 1-based): chr15:69,440,973, C>T. VCF-style: chr15-69440973-C-T. GRCh37 (hg19) VCF-style: chr15-69733312-C-T.
Other names: c.1943C>T, p.Thr648Ile (NM_001281301.2); c.2273C>T, p.Thr758Ile (NM_001367804.2, NM_138555.4); c.2067+486C>T (NM_004856.7); short protein forms T758I, T772I, T648I.
Identifiers: ClinVar variation 2715210 (VCV002715210.3), dbSNP rs775907716, ClinGen allele CA7635371.